The following is an entry in ClinVar:

NM_000400.4(ERCC2):c.1712C>A (p.Thr571Asn)

Gene: ERCC2 (ERCC excision repair 2, TFIIH core complex helicase subunit; minus strand). Cytogenetic location: 19q13.32.
Variant type: single nucleotide variant.
Coding change: c.1712C>A on transcript NM_000400.4 (MANE Select); coding-DNA position 1712, C replaced by A.
Protein change: p.Thr571Asn; replaces threonine 571 with asparagine.
Molecular consequence: missense variant.
Genome position (GRCh38, 1-based): chr19:45,353,288, G>T on the plus strand (C>A on the coding strand, the complement: ERCC2 is on the minus strand). VCF-style: chr19-45353288-G-T. GRCh37 (hg19) VCF-style: chr19-45856546-G-T.
Other names: short protein forms T571N.
Identifiers: ClinVar variation 2586791 (VCV002586791.4), dbSNP rs2514002720, ClinGen allele CA406364444.
Genomic context (GRCh38, chr19:45,353,288, plus strand): 5'-CCTCGCACACCCACCTCCTGGTACTTCTCCAGGGCGACACTGGTTTCGGCACCATCCTGG[G>T]TCTCAATAAAGAGCAGCTTGTTCCTCTGGATGTTCTCAAGGATCCCCTGGGGAAGGACCC-3'
Protein context (NP_000391.1, residues 561-581): IQRNKLLFIE[Thr571Asn]QDGAETSVAL

ClinVar aggregate classification (germline): Uncertain significance. Review status: criteria provided, multiple submitters, no conflicts (2 of 4 stars). 3 submissions from 3 submitters: Uncertain significance (3). Last evaluated 2024-12-14.

Conditions:
Inborn genetic diseases. Identifiers: MedGen C0950123, MeSH D030342.
Cerebrooculofacioskeletal syndrome 2 (COFS2). Identifiers: MedGen C1853102, MONDO:0012553, OMIM 610756.
Xeroderma pigmentosum, group D (XPD). Also called: XERODERMA PIGMENTOSUM IV; XP, GROUP D; XP, GROUP H; ERCC2-Related Xeroderma Pigmentosum; XERODERMA PIGMENTOSUM, COMPLEMENTATION GROUP D. Identifiers: MedGen C0268138, MONDO:0010212, OMIM 278730.
Trichothiodystrophy 1, photosensitive (TTD1). Also called: TAY SYNDROME; TRICHOTHIODYSTROPHY WITH CONGENITAL ICHTHYOSIS; PIBIDS SYNDROME. Identifiers: Orphanet 33364, MedGen C1866504, MONDO:0011125, OMIM 601675.

Allele frequency attached by ClinVar (database versions not stated): gnomAD exomes below 0.00001.
gnomAD v4.1: 3 of 1,614,022 alleles (0.00019%); highest among the groups gnomAD compares: Non-Finnish European, 0.00025%; no homozygotes.

Submissions (3):

GeneDx
Classification: Uncertain significance. Last evaluated: 2024-12-14. Review status: criteria provided, single submitter. Criteria: GeneDx Variant Classification Process June 2021. Collection method: clinical testing. Allele origin: germline. Affected: yes.
Comment: Not observed at significant frequency in large population cohorts (gnomAD); In silico analysis supports that this missense variant has a deleterious effect on protein structure/function; Has not been previously published as pathogenic or benign to our knowledge

Ambry Genetics
Classification: Uncertain significance for Inborn genetic diseases. Last evaluated: 2023-08-11. Review status: criteria provided, single submitter. Criteria: Ambry Variant Classification Scheme 2023. Collection method: clinical testing. Allele origin: germline.
Comment: The p.T571N variant (also known as c.1712C>A), located in coding exon 18 of the ERCC2 gene, results from a C to A substitution at nucleotide position 1712. The threonine at codon 571 is replaced by asparagine, an amino acid with similar properties. This amino acid position is conserved. In addition, the in silico prediction for this alteration is inconclusive. Since supporting evidence is limited at this time, the clinical significance of this alteration remains unclear.

Department of Pathology and Laboratory Medicine, Sinai Health System
Classification: Uncertain significance for Xeroderma pigmentosum, group D; Trichothiodystrophy 1, photosensitive; Cerebrooculofacioskeletal syndrome 2. Last evaluated: 2023-01-22. Review status: criteria provided, single submitter. Criteria: ACMG Guidelines, 2015. Collection method: research. Allele origin: germline.